The following is an entry in ClinVar:

ClinVar aggregate classification (germline): Uncertain significance (1 of 4 stars; one submission).

Conditions:
Dilated cardiomyopathy 1G (CMD1G). Identifiers: Orphanet 154, MedGen C1858763, MONDO:0011400, OMIM 604145.
Autosomal recessive limb-girdle muscular dystrophy type 2J (LGMDR10). Also called: Limb-girdle muscular dystrophy, type 2J; MUSCULAR DYSTROPHY, LIMB-GIRDLE, AUTOSOMAL RECESSIVE 10. Identifiers: Orphanet 140922, MedGen C1837342, MONDO:0012127, OMIM 608807.

Submission:

Labcorp Genetics (formerly Invitae), Labcorp
Classification: Uncertain significance for Dilated cardiomyopathy 1G; Autosomal recessive limb-girdle muscular dystrophy type 2J. Last evaluated: 2025-03-12. Review status: criteria provided, single submitter. Criteria: Invitae Variant Classification Sherloc (09022015). Collection method: clinical testing. Allele origin: germline.
Comment: This sequence change replaces methionine, which is neutral and non-polar, with lysine, which is basic and polar, at codon 35138 of the TTN protein (p.Met35138Lys). This variant is not present in population databases (gnomAD no frequency). This variant has not been reported in the literature in individuals affected with TTN-related conditions. Experimental studies and prediction algorithms are not available or were not evaluated, and the functional significance of this variant is currently unknown. This variant is located in the M band of TTN (PMID: 25589632). Non-truncating variants in this region may be relevant for neuromuscular disorders, but have not been definitively shown to cause cardiomyopathy (PMID: 23975875). In summary, the available evidence is currently insufficient to determine the role of this variant in disease. Therefore, it has been classified as a Variant of Uncertain Significance.

Literature cited by the submitters: PubMed 25589632; PubMed 23975875.

NM_001267550.2(TTN):c.105413T>A (p.Met35138Lys)

Genes: TTN (titin; minus strand), TTN-AS1 (TTN antisense RNA 1; plus strand). Cytogenetic location: 2q31.2.
Variant type: single nucleotide variant.
Coding change: c.105413T>A on transcript NM_001267550.2 (MANE Select); coding-DNA position 105413, T replaced by A.
Protein change: p.Met35138Lys; replaces methionine 35138 with lysine.
Molecular consequence: missense variant.
Genome position (GRCh38, 1-based): chr2:178,531,202, A>T on the plus strand (T>A on the coding strand, the complement: TTN is on the minus strand). VCF-style: chr2-178531202-A-T. GRCh37 (hg19) VCF-style: chr2-179395929-A-T.
Other names: c.100490T>A, p.Met33497Lys (NM_001256850.1); c.78218T>A, p.Met26073Lys (NM_003319.4); c.97709T>A, p.Met32570Lys (NM_133378.4); c.78593T>A, p.Met26198Lys (NM_133432.3); c.78794T>A, p.Met26265Lys (NM_133437.4); short protein forms M26073K, M26265K, M33497K, M32570K, M35138K, M26198K.
Identifiers: ClinVar variation 4784418 (VCV004784418.1).